The following is an entry in ClinVar:

ClinVar aggregate classification (germline): Likely benign (1 of 4 stars; one submission).

Conditions:
Sessile serrated polyposis cancer syndrome (SSPCS). Identifiers: Orphanet 157798, MedGen C4310714, MONDO:0014919, OMIM 617108.

Submission:

Myriad Genetics, Inc.
Classification: Likely benign for Sessile serrated polyposis cancer syndrome. Last evaluated: 2026-06-26. Review status: criteria provided, single submitter. Criteria: Myriad Autosomal Dominant, Autosomal Recessive and X-Linked Classification Criteria (2023). Collection method: clinical testing. Allele origin: unknown.
Comment: This variant is considered likely benign. This variant is intronic and is not expected to impact mRNA splicing.

NM_017763.6(RNF43):c.583-3del

Gene: RNF43 (ring finger protein 43; minus strand). Cytogenetic location: 17q22.
Variant type: Deletion.
Coding change: c.583-3del on transcript NM_017763.6 (MANE Select); 3 bases into the intron before coding-DNA position 583, one base deleted (C; older notation c.583-3delC).
Molecular consequence: intron variant.
Genome position (GRCh38, 1-based): chr17:58,362,651, G deleted on the plus strand (C on the coding strand, the reverse complement: RNF43 is on the minus strand); the first of 4 consecutive G bases (chr17:58,362,651-58,362,654); deleting any one gives the same sequence. VCF-style (leftmost placement, unchanged base first): chr17-58362650-TG-T. GRCh37 (hg19) VCF-style: chr17-56440011-TG-T.
Other names: c.583-3del (NM_001438822.1, NM_001305544.3, NM_001438820.1 and 1 more transcripts); c.202-3del (NM_001305545.2, NM_001437987.1).
Identifiers: ClinVar variation 4875744 (VCV004875744.1).
Genomic context (GRCh38, chr17:58,362,650, plus strand): 5'-AGGATGATCACAAAGATGGTGCCCACCACTGTCATTAGGATCCACACATCATAATCTGGC[TG>T]GGGAGTGAGCAGAGAGGGAAAGGGTCATACTTCCGGGATGAGCTGGGTCAATTCGGGAGG-3'